The following is an entry in ClinVar:

NM_182961.4(SYNE1):c.22519C>T (p.Arg7507Cys)

Gene: SYNE1 (spectrin repeat containing nuclear envelope protein 1; minus strand). Cytogenetic location: 6q25.2.
Variant type: single nucleotide variant.
Coding change: c.22519C>T on transcript NM_182961.4 (MANE Select); coding-DNA position 22519, C replaced by T.
Protein change: p.Arg7507Cys; replaces arginine 7507 with cysteine.
Molecular consequence: missense variant.
Genome position (GRCh38, 1-based): chr6:152,211,564, G>A on the plus strand (C>T on the coding strand, the complement: SYNE1 is on the minus strand). VCF-style: chr6-152211564-G-A. GRCh37 (hg19) VCF-style: chr6-152532699-G-A.
Other names: c.22519C>T (NM_182961.2); c.22306C>T, p.Arg7436Cys (NM_033071.5); short protein forms R7507C, R7436C.
Identifiers: ClinVar variation 577723 (VCV000577723.44), dbSNP rs141278167, ClinGen allele CA4053856.

ClinVar aggregate classification (germline): Uncertain significance. Review status: criteria provided, multiple submitters, no conflicts (2 of 4 stars). 5 submissions from 5 submitters: Uncertain significance (5). Last evaluated 2025-07-24.

Conditions:
Autosomal recessive ataxia, Beauce type. Also called: Spinocerebellar ataxia, autosomal recessive 8; ATAXIA, RECESSIVE, OF BEAUCE; SYNE1-Related Autosomal Recessive Cerebellar Ataxia; SYNE1 Deficiency. Identifiers: Orphanet 88644, MedGen C1853116, MONDO:0012549, OMIM 610743.
Emery-Dreifuss muscular dystrophy 4, autosomal dominant (EDMD4). Also called: EMERY-DREIFUSS MUSCULAR DYSTROPHY 4 WITH VARIABLE FEATURES. Identifiers: Orphanet 261, MedGen C2751807, MONDO:0013071, OMIM 612998.

Allele frequency attached by ClinVar (database versions not stated): ExAC 0.00001; gnomAD 0.00005; TOPMed 0.00005; ESP Exome Variant Server 0.00008.
gnomAD v4.1: 21 of 1,613,550 alleles (0.0013%); highest among the groups gnomAD compares: Middle Eastern, 0.016%; no homozygotes.

Submissions (5):

Athena Diagnostics
Classification: Uncertain significance. Last evaluated: 2025-07-24. Review status: criteria provided, single submitter. Criteria: Athena Diagnostics Criteria. Collection method: clinical testing. Allele origin: unknown.
Comment: Available data are insufficient to determine the clinical significance of the variant at this time. The frequency of this variant in the general population is uninformative in assessment of its pathogenicity. Polyphen and MutationTaster yielded discordant predictions regarding whether this amino acid change is damaging to the protein.

GeneDx
Classification: Uncertain significance. Last evaluated: 2025-01-26. Review status: criteria provided, single submitter. Criteria: GeneDx Variant Classification Process June 2021. Collection method: clinical testing. Allele origin: germline. Affected: yes.
Comment: In silico analysis supports that this missense variant has a deleterious effect on protein structure/function; Has not been previously published as pathogenic or benign to our knowledge

Labcorp Genetics (formerly Invitae), Labcorp
Classification: Uncertain significance for Emery-Dreifuss muscular dystrophy 4, autosomal dominant; Autosomal recessive ataxia, Beauce type. Last evaluated: 2022-08-10. Review status: criteria provided, single submitter. Criteria: Invitae Variant Classification Sherloc (09022015). Collection method: clinical testing. Allele origin: germline.
Comment: This variant is present in population databases (rs141278167, gnomAD 0.01%). This sequence change replaces arginine, which is basic and polar, with cysteine, which is neutral and slightly polar, at codon 7436 of the SYNE1 protein (p.Arg7436Cys). In summary, the available evidence is currently insufficient to determine the role of this variant in disease. Therefore, it has been classified as a Variant of Uncertain Significance. Algorithms developed to predict the effect of missense changes on protein structure and function are either unavailable or do not agree on the potential impact of this missense change (SIFT: "Deleterious"; PolyPhen-2: "Benign"; Align-GVGD: "Class C65"). ClinVar contains an entry for this variant (Variation ID: 577723). This variant has not been reported in the literature in individuals affected with SYNE1-related conditions.

CeGaT Center for Human Genetics Tuebingen
Classification: Uncertain significance. Last evaluated: 2022-02-01. Review status: criteria provided, single submitter. Criteria: CeGaT Center For Human Genetics Tuebingen Variant Classification Criteria Version 2. Collection method: clinical testing. Allele origin: germline. Affected: yes. Observed: 1 variant allele.

Baylor Genetics
Classification: Uncertain significance for Emery-Dreifuss muscular dystrophy 4, autosomal dominant. Last evaluated: 2018-12-13. Review status: criteria provided, single submitter. Criteria: ACMG Guidelines, 2015. Collection method: clinical testing. Allele origin: unknown. Affected: yes.
Comment: This variant was determined to be of uncertain significance according to ACMG Guidelines, 2015 [PMID:25741868].